The following is an entry in ClinVar:

ClinVar aggregate classification (germline): Uncertain significance (1 of 4 stars; one submission).

Conditions:
Intellectual disability-facial dysmorphism syndrome due to SETD5 haploinsufficiency (MRD23). Also called: Intellectual developmental disorder, autosomal dominant 23. Identifiers: Orphanet 404440, MedGen C3810406, MONDO:0014336, OMIM 615761.

gnomAD v4.1: 1 of 1,610,094 alleles (0.000062%); highest among the groups gnomAD compares: Non-Finnish European, 0.000085%; no homozygotes.

Submission:

Daryl Scott Lab, Baylor College of Medicine
Classification: Uncertain significance for Intellectual disability-facial dysmorphism syndrome due to SETD5 haploinsufficiency. Review status: criteria provided, single submitter. Criteria: ACMG Guidelines, 2015. Collection method: clinical testing. Allele origin: unknown. Affected: yes. Observed: 1 heterozygote.
Comment: PM2

NM_001080517.3(SETD5):c.1541A>C (p.Lys514Thr)

Gene: SETD5 (SET domain containing 5; plus strand). Cytogenetic location: 3p25.3.
Variant type: single nucleotide variant.
Coding change: c.1541A>C on transcript NM_001080517.3 (MANE Select); coding-DNA position 1541, A replaced by C.
Protein change: p.Lys514Thr; replaces lysine 514 with threonine.
Molecular consequence: missense variant.
Genome position (GRCh38, 1-based): chr3:9,447,066, A>C. VCF-style: chr3-9447066-A-C. GRCh37 (hg19) VCF-style: chr3-9488750-A-C.
Other names: c.1247A>C, p.Lys416Thr (NM_001292043.2, NM_001349451.2); c.1637A>C, p.Lys546Thr (NM_001437633.1); c.1598A>C, p.Lys533Thr (NM_001437635.1); c.1541A>C, p.Lys514Thr (NM_001437643.1); c.1580A>C, p.Lys527Thr (NM_001437701.1); short protein forms K416T, K514T, K527T, K533T, K546T.
Identifiers: ClinVar variation 4279671 (VCV004279671.1).
Genomic context (GRCh38, chr3:9,447,066, plus strand): 5'-CCTCATTTGAAGCTTCCTTCTACACCAGTACTATCTCTTTCTAGACCAGGGAAGATAGAA[A>C]GGTAGAAGCCATCATGCATGCTTTTGAAAACTTAGAGAAAAGAAAGAAGCGGCGGGATCA-3'
Protein context (NP_001073986.1, residues 504-524): AHSRRTREDR[Lys514Thr]VEAIMHAFEN